The following is an entry in ClinVar:

ClinVar aggregate classification (germline): Uncertain significance. Review status: criteria provided, multiple submitters, no conflicts (2 of 4 stars). 4 submissions from 4 submitters: Uncertain significance (4). Last evaluated 2026-03-04.

Conditions:
Familial dysautonomia. Also called: FD; HSAN III. Identifiers: Orphanet 1764, MedGen C0013364, MONDO:0009131, OMIM 223900. Disease mechanism: loss of function.
Medulloblastoma (MDB). Also called: MEDULLOBLASTOMA PREDISPOSITION SYNDROME; Medulloblastoma, somatic. Identifiers: Orphanet 616, MedGen C0025149, MeSH D008527, MONDO:0007959, OMIM 155255, HP:0002885.

Allele frequency attached by ClinVar (database versions not stated): gnomAD 0.00001; gnomAD exomes 0.00001; TOPMed 0.00001; ExAC 0.00002; 1000 Genomes Project 30x 0.00016; 1000 Genomes Project 0.00020.
gnomAD v4.1: 18 of 1,614,150 alleles (0.0011%); highest among the groups gnomAD compares: East Asian, 0.0067%; no homozygotes.

Submissions (4):

Women's Health and Genetics/Laboratory Corporation of America, LabCorp
Classification: Uncertain significance. Last evaluated: 2026-03-04. Review status: criteria provided, single submitter. Criteria: LabCorp Variant Classification Summary - May 2015. Collection method: clinical testing. Allele origin: germline.
Comment: Variant summary: ELP1 c.2693A>G (p.Tyr898Cys) results in a non-conservative amino acid change in the encoded protein sequence. Algorithms developed to predict the effect of missense changes on protein structure and function all suggest that this variant is likely to be disruptive. The variant allele was found at a frequency of 1.2e-05 in 251122 control chromosomes. The available data on variant occurrences in the general population are insufficient to allow any conclusion about variant significance. To our knowledge, no occurrence of c.2693A>G in individuals affected with ELP1-related conditions and no experimental evidence demonstrating its impact on protein function have been reported. ClinVar contains an entry for this variant (Variation ID: 1415279). Based on the evidence outlined above, the variant was classified as uncertain significance.

ARUP Laboratories, Molecular Genetics and Genomics, ARUP Laboratories
Classification: Uncertain significance. Last evaluated: 2024-04-19. Review status: criteria provided, single submitter. Criteria: ARUP Molecular Germline Variant Investigation Process 2024. Collection method: clinical testing. Allele origin: germline.
Comment: The ELP1 c.2693A>G; p.Tyr898Cys variant (rs199679232), to our knowledge, is not reported in the medical literature but is reported in ClinVar (Variation ID: 1415279).This variant is found in the general population with an overall allele frequency of 0.0012% (3/251122 alleles) in the Genome Aggregation Database (v2.1.1). Computational analyses predict that this variant is deleterious (REVEL: 0.745). However, given the lack of clinical and functional data, the significance of this variant is uncertain at this time.

Fulgent Genetics
Classification: Uncertain significance for Medulloblastoma; Familial dysautonomia. Last evaluated: 2024-03-01. Review status: criteria provided, single submitter. Criteria: ACMG Guidelines, 2015. Collection method: clinical testing. Allele origin: germline.

Labcorp Genetics (formerly Invitae), Labcorp
Classification: Uncertain significance. Last evaluated: 2021-08-28. Review status: criteria provided, single submitter. Criteria: Invitae Variant Classification Sherloc (09022015). Collection method: clinical testing. Allele origin: germline.
Comment: This sequence change replaces tyrosine with cysteine at codon 898 of the ELP1 protein (p.Tyr898Cys). The tyrosine residue is highly conserved and there is a large physicochemical difference between tyrosine and cysteine. This variant is present in population databases (rs199679232, ExAC 0.01%). This variant has not been reported in the literature in individuals affected with ELP1-related conditions. Algorithms developed to predict the effect of missense changes on protein structure and function (SIFT, PolyPhen-2, Align-GVGD) all suggest that this variant is likely to be disruptive. Algorithms developed to predict the effect of sequence changes on RNA splicing suggest that this variant may create or strengthen a splice site. In summary, the available evidence is currently insufficient to determine the role of this variant in disease. Therefore, it has been classified as a Variant of Uncertain Significance.

NM_003640.5(ELP1):c.2693A>G (p.Tyr898Cys)

Gene: ELP1 (elongator acetyltransferase complex subunit 1; minus strand). Cytogenetic location: 9q31.3.
Variant type: single nucleotide variant.
Coding change: c.2693A>G on transcript NM_003640.5 (MANE Select); coding-DNA position 2693, A replaced by G.
Protein change: p.Tyr898Cys; replaces tyrosine 898 with cysteine.
Molecular consequence: missense variant.
Genome position (GRCh38, 1-based): chr9:108,896,539, T>C on the plus strand (A>G on the coding strand, the complement: ELP1 is on the minus strand). VCF-style: chr9-108896539-T-C. GRCh37 (hg19) VCF-style: chr9-111658819-T-C.
Other names: c.2351A>G, p.Tyr784Cys (NM_001318360.2); c.1646A>G, p.Tyr549Cys (NM_001330749.2); short protein forms Y549C, Y784C, Y898C.
Identifiers: ClinVar variation 1415279 (VCV001415279.8), dbSNP rs199679232, ClinGen allele CA5174560.